The following is an entry in ClinVar:

ClinVar aggregate classification (germline): Uncertain significance (1 of 4 stars; one submission).

Submission:

Women's Health and Genetics/Laboratory Corporation of America, LabCorp
Classification: Uncertain significance. Last evaluated: 2023-10-23. Review status: criteria provided, single submitter. Criteria: LabCorp Variant Classification Summary - May 2015. Collection method: clinical testing. Allele origin: germline.
Comment: Variant summary: EYA1 c.1211T>G (p.Phe404Cys) results in a non-conservative amino acid change in the encoded protein sequence. Five of five in-silico tools predict a damaging effect of the variant on protein function. The variant was absent in 251160 control chromosomes (gnomAD). The available data on variant occurrences in the general population are insufficient to allow any conclusion about variant significance. To our knowledge, no occurrence of c.1211T>G in individuals affected with EYA1-Related Disorders and no experimental evidence demonstrating its impact on protein function have been reported. No submitters have cited clinical-significance assessments for this variant to ClinVar after 2014. Based on the evidence outlined above, the variant was classified as uncertain significance.

NM_000503.6(EYA1):c.1211T>G (p.Phe404Cys)

Gene: EYA1 (EYA transcriptional coactivator and phosphatase 1; minus strand). Cytogenetic location: 8q13.3.
Variant type: single nucleotide variant.
Coding change: c.1211T>G on transcript NM_000503.6 (MANE Select); coding-DNA position 1211, T replaced by G.
Protein change: p.Phe404Cys; replaces phenylalanine 404 with cysteine.
Molecular consequence: missense variant.
Genome position (GRCh38, 1-based): chr8:71,216,841, A>C on the plus strand (T>G on the coding strand, the complement: EYA1 is on the minus strand). VCF-style: chr8-71216841-A-C. GRCh37 (hg19) VCF-style: chr8-72129076-A-C.
Other names: c.1193T>G, p.Phe398Cys (NM_001288574.2, NM_172059.5); c.845T>G, p.Phe282Cys (NM_001288575.2); c.1298T>G, p.Phe433Cys (NM_001370333.1); c.1211T>G, p.Phe404Cys (NM_001370334.1, NM_001370335.1, NM_172058.4); c.1190T>G, p.Phe397Cys (NM_001370336.1); c.1112T>G, p.Phe371Cys (NM_001411797.1, NM_172060.4); short protein forms F282C, F371C, F397C, F398C, F404C, F433C.
Identifiers: ClinVar variation 2637857 (VCV002637857.1), dbSNP rs2537300994, ClinGen allele CA371466883.